The following is an entry in ClinVar:

ClinVar aggregate classification (germline): Uncertain significance (1 of 4 stars; one submission).

Conditions:
Cardiovascular phenotype. Identifiers: MedGen CN230736.

gnomAD v4.1: 3 of 1,614,076 alleles (0.00019%); highest among the groups gnomAD compares: Non-Finnish European, 0.00017%; no homozygotes.

Submission:

Ambry Genetics
Classification: Uncertain significance for Cardiovascular phenotype. Last evaluated: 2025-07-09. Review status: criteria provided, single submitter. Criteria: Ambry Variant Classification Scheme 2023. Collection method: clinical testing. Allele origin: germline.
Comment: The p.R1775G variant (also known as c.5323C>G), located in coding exon 38 of the LAMA4 gene, results from a C to G substitution at nucleotide position 5323. The arginine at codon 1775 is replaced by glycine, an amino acid with dissimilar properties. This amino acid position is conserved. In addition, this alteration is predicted to be tolerated by in silico analysis. Based on the available evidence, the clinical significance of this variant remains unclear.

NM_001105206.3(LAMA4):c.5344C>G (p.Arg1782Gly)

Gene: LAMA4 (laminin subunit alpha 4; minus strand). Cytogenetic location: 6q21.
Variant type: single nucleotide variant.
Coding change: c.5344C>G on transcript NM_001105206.3 (MANE Select); coding-DNA position 5344, C replaced by G.
Protein change: p.Arg1782Gly; replaces arginine 1782 with glycine.
Molecular consequence: missense variant.
Genome position (GRCh38, 1-based): chr6:112,109,565, G>C on the plus strand (C>G on the coding strand, the complement: LAMA4 is on the minus strand). VCF-style: chr6-112109565-G-C. GRCh37 (hg19) VCF-style: chr6-112430768-G-C.
Other names: c.5323C>G, p.Arg1775Gly (NM_001105207.3, NM_002290.5); short protein forms R1782G, R1775G.
Identifiers: ClinVar variation 4096209 (VCV004096209.1).
Genomic context (GRCh38, chr6:112,109,565, plus strand): 5'-GGTGTCCATCAATCACAAAGTGGCGTATGCAGCCTGTGAAGGGTTTGCTGGGGGCCAAGC[G>C]TGGTGTCAGTAGAGATTCTGAAAAGAGCAAGAAATAAAAACAAAGATTGCAATTGAGGTA-3'
Protein context (NP_001098676.2, residues 1772-1792): GGVPESLLTP[Arg1782Gly]LAPSKPFTGC